The following is an entry in ClinVar:

NM_018896.5(CACNA1G):c.3230C>T (p.Pro1077Leu)

Gene: CACNA1G (calcium voltage-gated channel subunit alpha1 G; plus strand). Cytogenetic location: 17q21.33.
Variant type: single nucleotide variant.
Coding change: c.3230C>T on transcript NM_018896.5 (MANE Select); coding-DNA position 3230, C replaced by T.
Protein change: p.Pro1077Leu; replaces proline 1077 with leucine.
Molecular consequence: missense variant. On other transcripts: non-coding transcript variant (5).
Genome position (GRCh38, 1-based): chr17:50,596,895, C>T. VCF-style: chr17-50596895-C-T. GRCh37 (hg19) VCF-style: chr17-48674256-C-T.
Other names: c.3230C>T, p.Pro1077Leu (NM_001256324.2, NM_001256325.2, NM_001256326.2 and 16 more transcripts); c.3161C>T, p.Pro1054Leu (NM_198376.3, NM_198379.3, NM_198382.3 and 5 more transcripts); short protein forms P1054L, P1077L.
Identifiers: ClinVar variation 4848254 (VCV004848254.1).

ClinVar aggregate classification (germline): Uncertain significance (1 of 4 stars; one submission).

Submission:

Women's Health and Genetics/Laboratory Corporation of America, LabCorp
Classification: Uncertain significance. Last evaluated: 2026-02-18. Review status: criteria provided, single submitter. Criteria: LabCorp Variant Classification Summary - May 2015. Collection method: clinical testing. Allele origin: germline.
Comment: Variant summary: CACNA1G c.3230C>T (p.Pro1077Leu) results in a non-conservative amino acid change in the encoded protein sequence. Algorithms developed to predict the effect of missense changes on protein structure and function all suggest that this variant is likely to be disruptive. The variant was absent in 191002 control chromosomes. The available data on variant occurrences in the general population are insufficient to allow any conclusion about variant significance. To our knowledge, no occurrence of c.3230C>T in individuals affected with CACNA1G-related conditions and no experimental evidence demonstrating its impact on protein function have been reported. No submitters have cited clinical-significance assessments for this variant to ClinVar. Based on the evidence outlined above, the variant was classified as uncertain significance.